The following is an entry in ClinVar:

ClinVar aggregate classification (germline): Likely benign (1 of 4 stars; one submission).

Submission:

CeGaT Center for Human Genetics Tuebingen
Classification: Likely benign. Last evaluated: 2022-11-01. Review status: criteria provided, single submitter. Criteria: CeGaT Center For Human Genetics Tuebingen Variant Classification Criteria Version 2. Collection method: clinical testing. Allele origin: germline. Affected: yes. Observed: 1 variant allele.
Comment: MUC20: PM2:Supporting, BP4, BP7

NM_001282506.2(MUC20):c.1128C>T (p.Val376=)

Gene: MUC20 (mucin 20, cell surface associated). Cytogenetic location: 3q29.
Variant type: single nucleotide variant.
Coding change: c.1128C>T on transcript NM_001282506.2 (MANE Select); coding-DNA position 1128, C replaced by T.
Protein change: p.Val376=; no amino-acid change (valine 376 retained).
Molecular consequence: synonymous variant.
Genome position (GRCh38, 1-based): chr3:195,725,731, C>T. VCF-style: chr3-195725731-C-T. GRCh37 (hg19) VCF-style: chr3-195452602-C-T.
Other names: c.612C>T, p.Val204= (NM_001291833.1); c.672C>T, p.Val224= (NM_020790.1).
Identifiers: ClinVar variation 2654368 (VCV002654368.24), dbSNP rs1285379211, ClinGen allele CA438033694.